The following is an entry in ClinVar:

ClinVar aggregate classification (germline): Uncertain significance (1 of 4 stars; one submission).

gnomAD v4.1: 18 of 1,613,952 alleles (0.0011%); highest among the groups gnomAD compares: South Asian, 0.0033%; no homozygotes.

Submission:

CeGaT Center for Human Genetics Tuebingen
Classification: Uncertain significance. Last evaluated: 2026-06-01. Review status: criteria provided, single submitter. Criteria: CeGaT Center For Human Genetics Tuebingen Variant Classification Criteria Version 2. Collection method: clinical testing. Allele origin: germline. Affected: yes. Observed: 1 variant allele.
Comment: TGM6: PM2:Supporting

NM_198994.3(TGM6):c.835G>T (p.Gly279Ter)

Gene: TGM6 (transglutaminase 6; plus strand). Cytogenetic location: 20p13.
Variant type: single nucleotide variant.
Coding change: c.835G>T on transcript NM_198994.3 (MANE Select); coding-DNA position 835, G replaced by T.
Protein change: p.Gly279Ter; replaces glycine 279 with a stop codon.
Molecular consequence: nonsense.
Genome position (GRCh38, 1-based): chr20:2,399,723, G>T. VCF-style: chr20-2399723-G-T. GRCh37 (hg19) VCF-style: chr20-2380369-G-T.
Other names: c.835G>T, p.Gly279Ter (NM_001254734.2); short protein forms G279*.
Identifiers: ClinVar variation 4872655 (VCV004872655.2).
Genomic context (GRCh38, chr20:2,399,723, plus strand): 5'-CAGAAGTGGCTCAAGGGCAGGTACAAGCCAGTCAAGTACGGCCAGTGCTGGGTCTTCGCC[G>T]GAGTCCTGTGCACAGGTACCCTGGGAGAGAAGGGCCCCAGGGTACCTGTGCCCCCAGCTT-3'